The following is an entry in ClinVar:

ClinVar aggregate classification (germline): Likely benign (1 of 4 stars; one submission).

Submission:

CeGaT Center for Human Genetics Tuebingen
Classification: Likely benign. Last evaluated: 2026-05-01. Review status: criteria provided, single submitter. Criteria: CeGaT Center For Human Genetics Tuebingen Variant Classification Criteria Version 2. Collection method: clinical testing. Allele origin: germline. Affected: yes. Observed: 2 variant alleles.
Comment: ATP1A3: PM2:Supporting, BP4, BP7

NM_152296.5(ATP1A3):c.852C>A (p.Leu284=)

Gene: ATP1A3 (ATPase Na+/K+ transporting subunit alpha 3; minus strand). Cytogenetic location: 19q13.2.
Variant type: single nucleotide variant.
Coding change: c.852C>A on transcript NM_152296.5 (MANE Select); coding-DNA position 852, C replaced by A.
Protein change: p.Leu284=; no amino-acid change (leucine 284 retained).
Molecular consequence: synonymous variant.
Genome position (GRCh38, 1-based): chr19:41,985,059, G>T on the plus strand (C>A on the coding strand, the complement: ATP1A3 is on the minus strand). VCF-style: chr19-41985059-G-T. GRCh37 (hg19) VCF-style: chr19-42489211-G-T.
Other names: c.885C>A, p.Leu295= (NM_001256213.2); c.891C>A, p.Leu297= (NM_001256214.2).
Identifiers: ClinVar variation 4822756 (VCV004822756.4).
Genomic context (GRCh38, chr19:41,985,059, plus strand): 5'-TCCGAGAATGAGGGAGAGGATGAAGAAGGAGACACCCAGGAAGACAGCCACGCCGGTGAT[G>T]AGCTGGATGAAGTGCTCAATCTCGATGGCGATGGGCGTCTTGCCCACCTCCAGCCCTGAT-3'
Protein context (NP_689509.1, residues 274-294): IAIEIEHFIQ[Leu284=]ITGVAVFLGV